The following is an entry in ClinVar:

ClinVar aggregate classification (germline): Uncertain significance. Review status: criteria provided, multiple submitters, no conflicts (2 of 4 stars). 2 submissions from 2 submitters: Uncertain significance (2). Last evaluated 2025-03-29.

Allele frequency attached by ClinVar (database versions not stated): gnomAD 0.00003; TOPMed 0.00003; gnomAD exomes 0.00004.
gnomAD v4.1: 64 of 1,614,054 alleles (0.004%); highest among the groups gnomAD compares: Non-Finnish European, 0.0053%; no homozygotes.

Submissions (2):

GeneDx
Classification: Uncertain significance. Last evaluated: 2025-03-29. Review status: criteria provided, single submitter. Criteria: GeneDx Variant Classification Process June 2021. Collection method: clinical testing. Allele origin: germline. Affected: yes.
Comment: Not observed at significant frequency in large population cohorts (gnomAD); In silico analysis supports that this missense variant has a deleterious effect on protein structure/function; Has not been previously published as pathogenic or benign to our knowledge

Labcorp Genetics (formerly Invitae), Labcorp
Classification: Uncertain significance. Last evaluated: 2024-06-03. Review status: criteria provided, single submitter. Criteria: Invitae Variant Classification Sherloc (09022015). Collection method: clinical testing. Allele origin: germline.
Comment: This sequence change replaces alanine, which is neutral and non-polar, with valine, which is neutral and non-polar, at codon 724 of the LPIN1 protein (p.Ala724Val). This variant is present in population databases (no rsID available, gnomAD 0.003%). This variant has not been reported in the literature in individuals affected with LPIN1-related conditions. ClinVar contains an entry for this variant (Variation ID: 1981807). Advanced modeling of protein sequence and biophysical properties (such as structural, functional, and spatial information, amino acid conservation, physicochemical variation, residue mobility, and thermodynamic stability) performed at Invitae indicates that this missense variant is expected to disrupt LPIN1 protein function with a positive predictive value of 80%. In summary, the available evidence is currently insufficient to determine the role of this variant in disease. Therefore, it has been classified as a Variant of Uncertain Significance.

NM_001349206.2(LPIN1):c.2279C>T (p.Ala760Val)

Gene: LPIN1 (lipin 1; plus strand). Cytogenetic location: 2p25.1.
Variant type: single nucleotide variant.
Coding change: c.2279C>T on transcript NM_001349206.2 (MANE Select); coding-DNA position 2279, C replaced by T.
Protein change: p.Ala760Val; replaces alanine 760 with valine.
Molecular consequence: missense variant. On other transcripts: non-coding transcript variant (1).
Genome position (GRCh38, 1-based): chr2:11,815,117, C>T. VCF-style: chr2-11815117-C-T. GRCh37 (hg19) VCF-style: chr2-11955243-C-T.
Other names: c.2276C>T, p.Ala759Val (NM_001349202.2, NM_001349203.2); c.2279C>T, p.Ala760Val (NM_001349204.2, NM_001349205.2); c.2369C>T, p.Ala790Val (NM_001349207.2); c.2318C>T, p.Ala773Val (NM_001349208.2); c.2171C>T, p.Ala724Val (NM_145693.4, NM_001349199.2); c.2171C>T (NM_145693.2); c.2189C>T, p.Ala730Val (NM_001261427.3); c.2426C>T, p.Ala809Val (NM_001261428.3); and 1 more; short protein forms A760V, A809V, A730V, A750V, A759V, A790V, A724V, A773V.
Identifiers: ClinVar variation 1981807 (VCV001981807.5), dbSNP rs1008067615, ClinGen allele CA42587933.
Genomic context (GRCh38, chr2:11,815,117, plus strand): 5'-CCATGAAATGTGAATGTTTTATGTCTTTCAGGAATGGATATAAATTTCTCTACTGTTCTG[C>T]CCGTGCCATCGGGATGGCGGACATGACGCGGGGCTACCTGCACTGGGTCAACGAGAGGGG-3'
Protein context (NP_001336135.1, residues 750-770): QNGYKFLYCS[Ala760Val]RAIGMADMTR